The following is an entry in ClinVar:

NM_000051.4(ATM):c.7927+3A>G

Genes: ATM (ATM serine/threonine kinase; plus strand), C11orf65 (chromosome 11 open reading frame 65; minus strand). Cytogenetic location: 11q22.3.
Variant type: single nucleotide variant.
Coding change: c.7927+3A>G on transcript NM_000051.4 (MANE Select); 3 bases into the intron after coding-DNA position 7927, A replaced by G.
Molecular consequence: intron variant.
Genome position (GRCh38, 1-based): chr11:108,332,903, A>G. VCF-style: chr11-108332903-A-G. GRCh37 (hg19) VCF-style: chr11-108203630-A-G.
Other names: c.7927+3A>G (NM_001351834.2); c.641-23832T>C (NM_001330368.2); c.*38+2317T>C (NM_001351110.2).
Identifiers: ClinVar variation 2033428 (VCV002033428.5), dbSNP rs772572722, ClinGen allele CA6266214.
Genomic context (GRCh38, chr11:108,332,903, plus strand): 5'-TGTGATGCTTATATTATATTAGCAAACTTAGATGCCACTCAGTGGAAGACTCAGAGAAGT[A>G]TGTTTTTTTTAAAGAAGAAACGTTACTTTCTTGCTGTGTTACTCTCTGTAGAGATATATT-3'

ClinVar aggregate classification (germline): Uncertain significance (1 of 4 stars; one submission).
ClinVar aggregate classification (oncogenicity): Uncertain significance (1 of 4 stars; one submission).

Conditions:
Ataxia-telangiectasia syndrome (AT). Also called: Ataxia-telangiectasia, complementation group D; AT, COMPLEMENTATION GROUP C; ATAXIA-TELANGIECTASIA, COMPLEMENTATION GROUP A; ATAXIA-TELANGIECTASIA, FRESNO VARIANT; Ataxia-telangiectasia, complementation group E; LOUIS-BAR SYNDROME. Identifiers: Orphanet 100, MedGen C0004135, MONDO:0008840, OMIM 208900.
Neoplasm. Also called: tumor; Neoplasms; Neoplasm (disease). Identifiers: MedGen C0027651, MeSH D009369, MONDO:0005070, HP:0002664.

Allele frequency attached by ClinVar (database versions not stated): gnomAD exomes below 0.00001; ExAC 0.00001.
gnomAD v4.1: 1 of 1,611,468 alleles (0.000062%); highest among the groups gnomAD compares: Non-Finnish European, 0.000085%; no homozygotes.

Submissions (2):

Center for Genomic Medicine, Rigshospitalet, Copenhagen University Hospital
Classification: Uncertain significance for Neoplasm. Last evaluated: 2026-10-16. Review status: criteria provided, single submitter. Criteria: ClinGen/CGC/VICC Guidelines for Oncogenicity, 2022. Collection method: clinical testing. Allele origin: somatic. Affected: yes.

Labcorp Genetics (formerly Invitae), Labcorp
Classification: Uncertain significance for Ataxia-telangiectasia syndrome. Last evaluated: 2025-11-02. Review status: criteria provided, single submitter. Criteria: Invitae Variant Classification Sherloc (09022015). Collection method: clinical testing. Allele origin: germline.
Comment: This sequence change falls in intron 53 of the ATM gene. It does not directly change the encoded amino acid sequence of the ATM protein. It affects a nucleotide within the consensus splice site. This variant is present in population databases (rs772572722, gnomAD 0.0009%). This variant has not been reported in the literature in individuals affected with ATM-related conditions. ClinVar contains an entry for this variant (Variation ID: 2033428). Variants that disrupt the consensus splice site are a relatively common cause of aberrant splicing (PMID: 17576681, 9536098). Algorithms developed to predict the effect of sequence changes on RNA splicing suggest that this variant may disrupt the consensus splice site. In summary, the available evidence is currently insufficient to determine the role of this variant in disease. Therefore, it has been classified as a Variant of Uncertain Significance.

Literature cited by the submitters: PubMed 17576681 (cited by Labcorp Genetics (formerly Invitae), Labcorp); PubMed 9536098 (cited by Labcorp Genetics (formerly Invitae), Labcorp).